The following is an entry in ClinVar:

NM_004655.4(AXIN2):c.592del (p.Glu198fs)

Gene: AXIN2 (axin 2; minus strand). Cytogenetic location: 17q24.1.
Variant type: Deletion.
Coding change: c.592del on transcript NM_004655.4 (MANE Select); coding-DNA position 592, one base deleted (G; older notation c.592delG).
Protein change: p.Glu198fs; shifts the reading frame from glutamic acid 198.
Molecular consequence: frameshift variant.
Genome position (GRCh38, 1-based): chr17:65,558,029, C deleted on the plus strand (G on the coding strand, the reverse complement: AXIN2 is on the minus strand). VCF-style (leftmost placement, unchanged base first): chr17-65558028-TC-T. GRCh37 (hg19) VCF-style: chr17-63554146-TC-T.
Other names: c.592del, p.Glu198fs (NM_001363813.1); c.592del (LRG_296t1); short protein forms E198fs.
Identifiers: ClinVar variation 545730 (VCV000545730.2), dbSNP rs1555583367, ClinGen allele CA658824795.

ClinVar aggregate classification (germline): Uncertain significance (1 of 4 stars; one submission).

Submission:

GeneDx
Classification: Uncertain significance. Last evaluated: 2018-05-03. Review status: criteria provided, single submitter. Criteria: GeneDx Variant Classification (06012015). Collection method: clinical testing. Allele origin: germline. Affected: yes.
Comment: This deletion of one nucleotide in AXIN2 is denoted c.592delG at the cDNA level and p.Glu198AsnfsX3 (E198NfsX3) at the protein level. The normal sequence, with the bases that are deleted in brackets, is CCTC[delG]AATA. The deletion causes a frameshift which changes a Glutamic Acid to an Asparagine at codon 198, and creates a premature stop codon at position 3 of the new reading frame. Although this variant has not, to our knowledge, been reported in the literature as a pathogenic or benign germline variant, it is predicted to cause loss of normal protein function through either protein truncation or nonsense-mediated mRNA decay. However, conflicting evidence is present regarding the loss-of-function disease mechanism in AXIN2; particularly, it may depend on tumor characteristics (if applicable), genetic profile, and other factors (Yochum 2012, Mazzoni 2015). Based on currently available information, it is unclear whether this deletion is a pathogenic variant or a benign variant. We consider it to be a variant of uncertain significance.